The following is an entry in ClinVar:

ClinVar aggregate classification (germline): Uncertain significance (1 of 4 stars; one submission).

Allele frequency attached by ClinVar (database versions not stated): gnomAD exomes 0.00002 and 0.00005; ExAC 0.00004.
gnomAD v4.1: 31 of 1,614,238 alleles (0.0019%); highest among the groups gnomAD compares: South Asian, 0.034%; no homozygotes.

Submission:

Labcorp Genetics (formerly Invitae), Labcorp
Classification: Uncertain significance. Last evaluated: 2023-01-31. Review status: criteria provided, single submitter. Criteria: Invitae Variant Classification Sherloc (09022015). Collection method: clinical testing. Allele origin: germline.
Comment: In summary, the available evidence is currently insufficient to determine the role of this variant in disease. Therefore, it has been classified as a Variant of Uncertain Significance. Algorithms developed to predict the effect of sequence changes on RNA splicing suggest that this variant may disrupt the consensus splice site. Algorithms developed to predict the effect of missense changes on protein structure and function are either unavailable or do not agree on the potential impact of this missense change (SIFT: "Deleterious"; PolyPhen-2: "Possibly Damaging"; Align-GVGD: "Class C0"). ClinVar contains an entry for this variant (Variation ID: 1420927). This variant has not been reported in the literature in individuals affected with ANKZF1-related conditions. This variant is present in population databases (rs749124178, gnomAD 0.04%). This sequence change replaces glycine, which is neutral and non-polar, with serine, which is neutral and polar, at codon 219 of the ANKZF1 protein (p.Gly219Ser).

NM_018089.3(ANKZF1):c.655G>A (p.Gly219Ser)

Gene: ANKZF1 (ankyrin repeat and zinc finger peptidyl tRNA hydrolase 1; plus strand). Cytogenetic location: 2q35.
Variant type: single nucleotide variant.
Coding change: c.655G>A on transcript NM_018089.3 (MANE Select); coding-DNA position 655, G replaced by A.
Protein change: p.Gly219Ser; replaces glycine 219 with serine.
Molecular consequence: missense variant.
Genome position (GRCh38, 1-based): chr2:219,233,175, G>A. VCF-style: chr2-219233175-G-A. GRCh37 (hg19) VCF-style: chr2-220097897-G-A.
Other names: c.655G>A, p.Gly219Ser (NM_001042410.2); c.25G>A, p.Gly9Ser (NM_001282792.2); short protein forms G9S, G219S.
Identifiers: ClinVar variation 1420927 (VCV001420927.8), dbSNP rs749124178, ClinGen allele CA2120805.